The following is an entry in ClinVar:

ClinVar aggregate classification (germline): Uncertain significance (1 of 4 stars; one submission).

Allele frequency attached by ClinVar (database versions not stated): gnomAD exomes below 0.00001; ExAC 0.00001; gnomAD 0.00002; TOPMed 0.00002.
gnomAD v4.1: 5 of 1,614,048 alleles (0.00031%); highest among the groups gnomAD compares: African/African-American, 0.0067%; no homozygotes.

Submission:

Labcorp Genetics (formerly Invitae), Labcorp
Classification: Uncertain significance. Last evaluated: 2021-12-22. Review status: criteria provided, single submitter. Criteria: Invitae Variant Classification Sherloc (09022015). Collection method: clinical testing. Allele origin: germline.
Comment: This variant is present in population databases (rs772978949, gnomAD 0.02%). This sequence change replaces leucine, which is neutral and non-polar, with histidine, which is basic and polar, at codon 1859 of the NIN protein (p.Leu1859His). This variant has not been reported in the literature in individuals affected with NIN-related conditions. Algorithms developed to predict the effect of missense changes on protein structure and function (SIFT, PolyPhen-2, Align-GVGD) all suggest that this variant is likely to be disruptive. In summary, the available evidence is currently insufficient to determine the role of this variant in disease. Therefore, it has been classified as a Variant of Uncertain Significance.

NM_020921.4(NIN):c.5576T>A (p.Leu1859His)

Gene: NIN (ninein; minus strand). Cytogenetic location: 14q22.1.
Variant type: single nucleotide variant.
Coding change: c.5576T>A on transcript NM_020921.4 (MANE Select); coding-DNA position 5576, T replaced by A.
Protein change: p.Leu1859His; replaces leucine 1859 with histidine.
Molecular consequence: missense variant.
Genome position (GRCh38, 1-based): chr14:50,739,360, A>T on the plus strand (T>A on the coding strand, the complement: NIN is on the minus strand). VCF-style: chr14-50739360-A-T. GRCh37 (hg19) VCF-style: chr14-51206078-A-T.
Other names: c.3437T>A, p.Leu1146His (NM_016350.5); c.5576T>A, p.Leu1859His (NM_182944.3, NM_182946.2); short protein forms L1146H, L1859H.
Identifiers: ClinVar variation 1895563 (VCV001895563.5), dbSNP rs772978949, ClinGen allele CA7181234.